The following is an entry in ClinVar:

NM_001042492.3(NF1):c.6316_6359dup (p.Ala2120_Ser2121insLeuLeuLeuSerTer)

Gene: NF1 (neurofibromin 1; plus strand). Cytogenetic location: 17q11.2.
Variant type: Duplication.
Coding change: c.6316_6359dup on transcript NM_001042492.3 (MANE Select); coding-DNA positions 6316 to 6359, 44 bases duplicated.
Protein change: p.Ala2120_Ser2121insLeuLeuLeuSerTer.
Molecular consequence: nonsense, inframe insertion. On other transcripts: frameshift variant (1).
Genome position (GRCh38, 1-based): chr17:31,336,803-31,336,846, 44 bases duplicated; duplicating any 44 consecutive bases within chr17:31,336,802-31,336,846 gives the same sequence; the c. name uses the placement nearest the transcript's 3' end. GRCh37 (hg19): chr17:29,663,821-29,663,864.
Other names: c.6253_6296dup, p.Ser2100Leufs (NM_000267.4).
Identifiers: ClinVar variation 582963 (VCV000582963.5), dbSNP rs1567617045, ClinGen allele CA891844403.

ClinVar aggregate classification (germline): Pathogenic (1 of 4 stars; one submission).

Conditions:
Neurofibromatosis, type 1 (NF1). Also called: Peripheral type neurofibromatosis; VON RECKLINGHAUSEN DISEASE; NEUROFIBROMATOSIS, TYPE I, SOMATIC; Neurofibromatosis, type I. Identifiers: Orphanet 636, MedGen C0027831, MONDO:0018975, OMIM 162200. Disease mechanism: loss of function.

Submission:

Labcorp Genetics (formerly Invitae), Labcorp
Classification: Pathogenic for Neurofibromatosis, type 1. Last evaluated: 2018-03-19. Review status: criteria provided, single submitter. Criteria: Invitae Variant Classification Sherloc (09022015). Collection method: clinical testing. Allele origin: germline.
Comment: For these reasons, this variant has been classified as Pathogenic. Loss-of-function variants in NF1 are known to be pathogenic (PMID: 10712197, 23913538). Algorithms developed to predict the effect of sequence changes on RNA splicing suggest that this variant may create or strengthen a splice site, but this prediction has not been confirmed by published transcriptional studies. This variant has not been reported in the literature in individuals with NF1-related disease. This variant is not present in population databases (ExAC no frequency). This sequence change creates a premature translational stop signal (p.Ser2100Leufs*5) in the NF1 gene. It is expected to result in an absent or disrupted protein product.

Literature cited by the submitters: PubMed 10712197; PubMed 23913538.